The following is an entry in ClinVar:

NM_020699.4(GATAD2B):c.818dup (p.Gln274fs)

Gene: GATAD2B (GATA zinc finger domain containing 2B; minus strand). Cytogenetic location: 1q21.3.
Variant type: Duplication.
Coding change: c.818dup on transcript NM_020699.4 (MANE Select); coding-DNA position 818, one base duplicated (T; older notation c.818dupT).
Protein change: p.Gln274fs; shifts the reading frame from glutamine 274.
Molecular consequence: frameshift variant.
Genome position (GRCh38, 1-based): chr1:153,817,454, A duplicated on the plus strand (T on the coding strand, the reverse complement: GATAD2B is on the minus strand). VCF-style (leftmost placement, unchanged base first): chr1-153817453-T-TA. GRCh37 (hg19) VCF-style: chr1-153789929-T-TA.
Other names: short protein forms Q274fs.
Identifiers: ClinVar variation 2242008 (VCV002242008.2), dbSNP rs2525252561, ClinGen allele CA2580061067.

ClinVar aggregate classification (germline): Pathogenic. Review status: criteria provided, multiple submitters, no conflicts (2 of 4 stars). 2 submissions from 2 submitters: Pathogenic (2). Last evaluated 2023-12-11.

Conditions:
Inborn genetic diseases. Identifiers: MedGen C0950123, MeSH D030342.
Severe intellectual disability-poor language-strabismus-grimacing face-long fingers syndrome (GAND). Also called: GAND SYNDROME. Identifiers: Orphanet 363686, MedGen C3554448, MONDO:0014034, OMIM 615074.

Submissions (2):

Institute of Medical Genetics and Applied Genomics, University Hospital Tübingen
Classification: Pathogenic for Severe intellectual disability-poor language-strabismus-grimacing face-long fingers syndrome. Last evaluated: 2023-12-11. Review status: criteria provided, single submitter. Criteria: ACMG Guidelines, 2015. Collection method: clinical testing. Allele origin: germline. Inheritance: Autosomal dominant inheritance. Affected: yes.

Ambry Genetics
Classification: Pathogenic for Inborn genetic diseases. Last evaluated: 2021-09-02. Review status: criteria provided, single submitter. Criteria: Ambry Variant Classification Scheme 2023. Collection method: clinical testing. Allele origin: germline.
Comment: The c.818dupT (p.Q274Tfs*8) alteration, located in exon 6 (coding exon 5) of the GATAD2B gene, consists of a duplication of T at position 818, causing a translational frameshift with a predicted alternate stop codon after 8 amino acids. This alteration is expected to result in loss of function by premature protein truncation or nonsense-mediated mRNA decay. This variant was not reported in population-based cohorts in the Genome Aggregation Database (gnomAD). Based on the available evidence, this alteration is classified as pathogenic.